The following is an entry in ClinVar:

NM_170707.4(LMNA):c.1608+5G>A

Gene: LMNA (lamin A/C; plus strand). Cytogenetic location: 1q22.
Variant type: single nucleotide variant.
Coding change: c.1608+5G>A on transcript NM_170707.4 (MANE Select); 5 bases into the intron after coding-DNA position 1608, G replaced by A.
Molecular consequence: intron variant.
Genome position (GRCh38, 1-based): chr1:156,137,237, G>A. VCF-style: chr1-156137237-G-A. GRCh37 (hg19) VCF-style: chr1-156107028-G-A.
Other names: c.1608+5G>A (NM_001282625.2, NM_001282626.2, NM_170708.4 and 1 more transcripts); c.1272+5G>A (NM_001257374.3); c.1365+5G>A (NM_001282624.2).
Identifiers: ClinVar variation 519180 (VCV000519180.5), dbSNP rs267607539, ClinGen allele CA658795540.

ClinVar aggregate classification (germline): Likely pathogenic (1 of 4 stars; one submission).

Conditions:
Cardiovascular phenotype. Identifiers: MedGen CN230736.

Allele frequency attached by ClinVar (database versions not stated): gnomAD 0.00001.
gnomAD v4.1: 1 of 1,571,216 alleles (0.000064%); highest among the groups gnomAD compares: Non-Finnish European, 0.000086%; no homozygotes.

Submission:

Ambry Genetics
Classification: Likely pathogenic for Cardiovascular phenotype. Last evaluated: 2017-09-14. Review status: criteria provided, single submitter. Criteria: Ambry Variant Classification Scheme 2023. Collection method: clinical testing. Allele origin: germline.
Comment: The c.1608+5G>A intronic variant results from a G to A substitution 5 nucleotides after coding exon 9 in the LMNA gene. This alteration has been reported in an individual with limb-girdle muscular dystrophy (LGMD1B) whose fibroblasts show blebbing of the nuclear envelope (Muchir A et al. Muscle Nerve. 2004;30:444-50). In addition, a disease-causing mutation at the same splice site, c.1608+5G>C, has been shown to impact splicing, causing retention of intron 9 and leading to a frameshift and premature truncation of the LMNA protein (Muchir A et al. Hum. Mol. Genet. 2000;9:1453-9). This nucleotide position is highly conserved in available vertebrate species. Using the BDGP and ESEfinder splice site prediction tools, the c.1608+5G>A alteration is predicted to weaken the efficiency of the native splice donor site; however, direct evidence is unavailable. Based on the majority of available evidence to date, this variant is likely to be pathogenic.

Literature cited by the submitters: PubMed 10814726; PubMed 15372542.